The following is an entry in ClinVar:

NM_005654.6(NR2F1):c.353T>G (p.Leu118Ter)

Genes: NR2F1 (nuclear receptor subfamily 2 group F member 1; plus strand), NR2F1-AS1 (NR2F1 antisense RNA 1; minus strand). Cytogenetic location: 5q15.
Variant type: single nucleotide variant.
Coding change: c.353T>G on transcript NM_005654.6 (MANE Select); coding-DNA position 353, T replaced by G.
Protein change: p.Leu118Ter; replaces leucine 118 with a stop codon.
Molecular consequence: nonsense.
Genome position (GRCh38, 1-based): chr5:93,585,376, T>G. VCF-style: chr5-93585376-T-G. GRCh37 (hg19) VCF-style: chr5-92921082-T-G.
Other names: short protein forms L118*.
Identifiers: ClinVar variation 620402 (VCV000620402.1), dbSNP rs1561523796, ClinGen allele CA360526092.
Genomic context (GRCh38, chr5:93,585,376, plus strand): 5'-ACGGCCAATTCACCTGCGAGGGCTGCAAAAGTTTCTTCAAGAGGAGCGTCCGCAGGAACT[T>G]AACTTACACATGCCGTGCCAACAGGAACTGTCCCATCGACCAGCACCACCGCAACCAGTG-3'

ClinVar aggregate classification (germline): Pathogenic (1 of 4 stars; one submission).

Submission:

GeneDx
Classification: Pathogenic. Last evaluated: 2018-10-14. Review status: criteria provided, single submitter. Criteria: GeneDx Variant Classification (06012015). Collection method: clinical testing. Allele origin: germline. Affected: yes.
Comment: The L118X variant in the NR2F1 gene has not been reported previously as a pathogenic variant nor as a benign variant, to our knowledge. This variant is predicted to cause loss of normal protein function either through protein truncation or nonsense-mediated mRNA decay. The L118X variant is not observed in large population cohorts (Lek et al., 2016). We interpret L118X as a pathogenic variant.